The following is an entry in ClinVar:

ClinVar aggregate classification (germline): Likely benign. Review status: criteria provided, multiple submitters, no conflicts (2 of 4 stars). 3 submissions from 3 submitters: Likely benign (2). 1 of the submissions does not count toward it. Last evaluated 2025-07-21.

Conditions:
IGF1R-related disorder. Also called: IGF1R-related condition.

Allele frequency attached by ClinVar (database versions not stated): ExAC 0.00001; gnomAD 0.00001; TOPMed 0.00002; ESP Exome Variant Server 0.00008.
gnomAD v4.1: 25 of 1,614,122 alleles (0.0015%); highest among the groups gnomAD compares: African/African-American, 0.004%; no homozygotes.

Submissions (3):

Labcorp Genetics (formerly Invitae), Labcorp
Classification: Likely benign. Last evaluated: 2025-07-21. Review status: criteria provided, single submitter. Criteria: Invitae Variant Classification Sherloc (09022015). Collection method: clinical testing. Allele origin: germline.

Blueprint Genetics
Classification: Likely benign. Last evaluated: 2024-09-18. Review status: criteria provided, single submitter. Criteria: ACMG Guidelines, 2015. Collection method: clinical testing. Allele origin: germline.

PreventionGenetics, part of Exact Sciences
Classification: Likely benign for IGF1R-related condition. Last evaluated: 2019-08-28. Review status: no assertion criteria provided. Collection method: clinical testing. Allele origin: germline. Not counted in ClinVar's aggregate classification.
Comment: This variant is classified as likely benign based on ACMG/AMP sequence variant interpretation guidelines (Richards et al. 2015 PMID: 25741868, with internal and published modifications).

NM_000875.5(IGF1R):c.123C>T (p.Asn41=)

Gene: IGF1R (insulin like growth factor 1 receptor; plus strand). Cytogenetic location: 15q26.3.
Variant type: single nucleotide variant.
Coding change: c.123C>T on transcript NM_000875.5 (MANE Select); coding-DNA position 123, C replaced by T.
Protein change: p.Asn41=; no amino-acid change (asparagine 41 retained).
Molecular consequence: synonymous variant.
Genome position (GRCh38, 1-based): chr15:98,707,590, C>T. VCF-style: chr15-98707590-C-T. GRCh37 (hg19) VCF-style: chr15-99250819-C-T.
Other names: c.123C>T, p.Asn41= (NM_001291858.2).
Identifiers: ClinVar variation 3053026 (VCV003053026.5), dbSNP rs142940594, ClinGen allele CA7751744.
Genomic context (GRCh38, chr15:98,707,590, plus strand): 5'-ACTGAGACGTTTACCCTCTTGTCTCCCTTCAGTCTGCGGGCCAGGCATCGACATCCGCAA[C>T]GACTATCAGCAGCTGAAGCGCCTGGAGAACTGCACGGTGATCGAGGGCTACCTCCACATC-3'
Protein context (NP_000866.1, residues 31-51): EICGPGIDIR[Asn41=]DYQQLKRLEN